The following is an entry in ClinVar:

NM_000158.4(GBE1):c.1538_1563del (p.Ile513fs)

Gene: GBE1 (1,4-alpha-glucan branching enzyme 1; minus strand). Cytogenetic location: 3p12.2.
Variant type: Deletion.
Coding change: c.1538_1563del on transcript NM_000158.4 (MANE Select); coding-DNA positions 1538 to 1563, 26 bases deleted (TTGATCGTGGAATACAGCTTCATAAA).
Protein change: p.Ile513fs; shifts the reading frame from isoleucine 513.
Molecular consequence: frameshift variant.
Genome position (GRCh38, 1-based): chr3:81,577,980-81,578,005, TTTATGAAGCTGTATTCCACGATCAA deleted on the plus strand (TTGATCGTGGAATACAGCTTCATAAA on the coding strand, the reverse complement: GBE1 is on the minus strand); deleting any 26 consecutive bases within chr3:81,577,980-81,578,006 gives the same sequence; the c. name uses the placement nearest the transcript's 3' end. VCF-style (leftmost placement, unchanged base first): chr3-81577979-TTTTATGAAGCTGTATTCCACGATCAA-T. GRCh37 (hg19) VCF-style: chr3-81627130-TTTTATGAAGCTGTATTCCACGATCAA-T.
Other names: short protein forms I513fs.
Identifiers: ClinVar variation 1967945 (VCV001967945.5), dbSNP rs2471722852, ClinGen allele CA2580070446.

ClinVar aggregate classification (germline): Pathogenic (1 of 4 stars; one submission).

Conditions:
Glycogen storage disease IV, classic hepatic. Also called: GSD IV, CLASSIC HEPATIC. Identifiers: MedGen C1856301.
Glycogen storage disease, type IV (GSD4). Also called: Glycogen storage disease due to glycogen branching enzyme deficiency; AMYLOPECTINOSIS; ANDERSEN DISEASE; BRANCHER DEFICIENCY; CIRRHOSIS, FAMILIAL, WITH DEPOSITION OF ABNORMAL GLYCOGEN; GBE1 DEFICIENCY. Identifiers: Orphanet 367, MedGen C0017923, MONDO:0009292, OMIM 232500.

Submission:

Labcorp Genetics (formerly Invitae), Labcorp
Classification: Pathogenic for Glycogen storage disease, type IV; Glycogen storage disease IV, classic hepatic. Last evaluated: 2023-09-08. Review status: criteria provided, single submitter. Criteria: Invitae Variant Classification Sherloc (09022015). Collection method: clinical testing. Allele origin: germline.
Comment: This sequence change creates a premature translational stop signal (p.Ile513Asnfs*20) in the GBE1 gene. It is expected to result in an absent or disrupted protein product. Loss-of-function variants in GBE1 are known to be pathogenic (PMID: 15452297, 20058079). This variant is not present in population databases (gnomAD no frequency). This variant has not been reported in the literature in individuals affected with GBE1-related conditions. ClinVar contains an entry for this variant (Variation ID: 1967945). For these reasons, this variant has been classified as Pathogenic.

Literature cited by the submitters: PubMed 15452297; PubMed 20058079.